The following is an entry in ClinVar:

NM_000329.3(RPE65):c.201_202delinsTT (p.His68Tyr)

Gene: RPE65 (retinoid isomerohydrolase RPE65; minus strand). Cytogenetic location: 1p31.3.
Variant type: Indel.
Coding change: c.201_202delinsTT on transcript NM_000329.3 (MANE Select); coding-DNA positions 201 to 202, GC replaced by TT.
Protein change: p.His68Tyr; replaces histidine 68 with tyrosine.
Molecular consequence: missense variant. On other transcripts: intron variant (1), 5 prime UTR variant (1).
Genome position (GRCh38, 1-based): chr1:68,446,753-68,446,754, GC replaced by AA on the plus strand (GC replaced by TT on the coding strand, the reverse complement: RPE65 is on the minus strand). VCF-style: chr1-68446753-GC-AA. GRCh37 (hg19) VCF-style: chr1-68912436-GC-AA.
Other names: c.201_202delinsTT, p.His68Tyr (NM_001406860.1, NM_001406853.1, NM_001406859.1); c.-32+1870_-31-1870delinsTT (NM_001406856.1); c.-76_-75delinsTT (NM_001406857.1); short protein forms H68Y.
Identifiers: ClinVar variation 4818172 (VCV004818172.1).

ClinVar aggregate classification (germline): Likely pathogenic (1 of 4 stars; one submission).

Conditions:
Leber congenital amaurosis (LCA). Also called: Leber's amaurosis. Identifiers: Orphanet 65, MedGen C0339527, MeSH D057130, MONDO:0018998.

Submission:

Natera, Inc.
Classification: Likely pathogenic for Leber congenital amaurosis. Last evaluated: 2024-12-30. Review status: criteria provided, single submitter. Criteria: Natera Variant Classification Schema (03/2026). Collection method: clinical testing. Allele origin: germline.
Comment: The c.201_202delGCinsTT variant in RPE65 is a deletion-insertion (delins) variant predicted to replace one or more nucleotides with a different sequence. This variant is rare in the general population with a frequency below the threshold expected for the associated phenotype(s). This variant has been observed in one or more individuals affected with the associated recessive disease, as either homozygous or compound heterozygous with a second variant (PMID: 36225124). Functional studies show that this variant may disrupt protein function (PMID: 16150724). Another variant at this same site results in an alteration predicted to cause a similar molecular effect has been observed in individual(s) with the associated phenotype. Computational prediction algorithms indicate this variant is likely to affect gene or protein function. Given the available evidence, this variant is classified as Likely Pathogenic.

Literature cited by the submitters: PubMed 36225124; PubMed 16150724.